The following is an entry in ClinVar:

NM_005219.5(DIAPH1):c.158C>T (p.Thr53Ile)

Gene: DIAPH1 (diaphanous related formin 1; minus strand). Cytogenetic location: 5q31.3.
Variant type: single nucleotide variant.
Coding change: c.158C>T on transcript NM_005219.5 (MANE Select); coding-DNA position 158, C replaced by T.
Protein change: p.Thr53Ile; replaces threonine 53 with isoleucine.
Molecular consequence: missense variant.
Genome position (GRCh38, 1-based): chr5:141,587,184, G>A on the plus strand (C>T on the coding strand, the complement: DIAPH1 is on the minus strand). VCF-style: chr5-141587184-G-A. GRCh37 (hg19) VCF-style: chr5-140966751-G-A.
Other names: c.131C>T, p.Thr44Ile (NM_001079812.3); c.158C>T, p.Thr53Ile (NM_001314007.2); short protein forms T44I, T53I.
Identifiers: ClinVar variation 2946602 (VCV002946602.3), dbSNP rs2513781392, ClinGen allele CA361546790.

ClinVar aggregate classification (germline): Uncertain significance (1 of 4 stars; one submission).

Conditions:
Autosomal dominant nonsyndromic hearing loss 1. Also called: KONIGSMARK SYNDROME; DEAFNESS, AUTOSOMAL DOMINANT 1, WITH OR WITHOUT THROMBOCYTOPENIA. Identifiers: Orphanet 90635, MedGen C1852282, MONDO:0007424, OMIM 124900.
Progressive microcephaly-seizures-cortical blindness-developmental delay syndrome. Also called: Seizures, cortical blindness, and microcephaly syndrome. Identifiers: Orphanet 477814, MedGen C5567650, MONDO:0014714, OMIM 616632.

Submission:

Labcorp Genetics (formerly Invitae), Labcorp
Classification: Uncertain significance for Progressive microcephaly-seizures-cortical blindness-developmental delay syndrome; Autosomal dominant nonsyndromic hearing loss 1. Last evaluated: 2024-10-17. Review status: criteria provided, single submitter. Criteria: Invitae Variant Classification Sherloc (09022015). Collection method: clinical testing. Allele origin: germline.
Comment: This sequence change replaces threonine, which is neutral and polar, with isoleucine, which is neutral and non-polar, at codon 53 of the DIAPH1 protein (p.Thr53Ile). This variant is not present in population databases (gnomAD no frequency). This variant has not been reported in the literature in individuals affected with DIAPH1-related conditions. Experimental studies and prediction algorithms are not available or were not evaluated, and the functional significance of this variant is currently unknown. In summary, the available evidence is currently insufficient to determine the role of this variant in disease. Therefore, it has been classified as a Variant of Uncertain Significance.